The following is an entry in ClinVar:

NM_000257.4(MYH7):c.969T>G (p.Ile323Met)

Gene: MYH7 (myosin heavy chain 7; minus strand). Cytogenetic location: 14q11.2.
Variant type: single nucleotide variant.
Coding change: c.969T>G on transcript NM_000257.4 (MANE Select); coding-DNA position 969, T replaced by G.
Protein change: p.Ile323Met; replaces isoleucine 323 with methionine.
Molecular consequence: missense variant.
Genome position (GRCh38, 1-based): chr14:23,430,590, A>C on the plus strand (T>G on the coding strand, the complement: MYH7 is on the minus strand). VCF-style: chr14-23430590-A-C. GRCh37 (hg19) VCF-style: chr14-23899799-A-C.
Other names: p.I323M:ATT>ATG; c.969T>G (LRG_384t1); short protein forms I323M.
Identifiers: ClinVar variation 181332 (VCV000181332.24), dbSNP rs730880861, ClinGen allele CA017050.

ClinVar aggregate classification (germline): Uncertain significance. Review status: criteria provided, multiple submitters, no conflicts (2 of 4 stars). 6 submissions from 6 submitters: Uncertain significance (6). Last evaluated 2025-02-04.

Conditions:
Congenital myopathy with fiber type disproportion. Also called: Congenital fiber-type disproportion; Congenital fiber-type disproportion myopathy. Identifiers: Orphanet 2020, MedGen C0546264, MONDO:0009711. Inheritance: all.
MYH7-related skeletal myopathy. Also called: Laing early-onset distal myopathy; MYOPATHY, DISTAL, EARLY-ONSET, AUTOSOMAL DOMINANT; MYOPATHY, LATE DISTAL HEREDITARY; Laing distal myopathy; Myopathy, distal, 1. Identifiers: Orphanet 59135, MedGen C4552004, MONDO:0008050, OMIM 160500.
Myosin storage myopathy (CMYO7A). Also called: MYH7-related late-onset scapuloperoneal muscular dystrophy; Congenital myopathy 7A, myosin storage, autosomal dominant; MYOPATHY, HYALINE BODY, AUTOSOMAL DOMINANT; Scapuloperoneal myopathy, MYH7-related; SCAPULOPERONEAL MUSCULAR DYSTROPHY; SCAPULOPERONEAL SYNDROME, MYOPATHIC TYPE. Identifiers: Orphanet 437572, Orphanet 636965, MedGen C1842160, MONDO:0008409, OMIM 608358.
Dilated cardiomyopathy 1S (CMD1S). Identifiers: Orphanet 154, Orphanet 54260, MedGen C1834481, MONDO:0013262, OMIM 613426.
Hypertrophic cardiomyopathy 1 (CMH1). Also called: Familial hypertrophic cardiomyopathy 1; MYH7-Related Familial Hypertrophic Cardiomyopathy. Identifiers: MedGen C3495498, MONDO:0008647, OMIM 192600.
Myopathy, myosin storage, autosomal recessive (CMYO7B). Also called: CONGENITAL MYOPATHY 7B, MYOSIN STORAGE, AUTOSOMAL RECESSIVE. Identifiers: Orphanet 636970, MedGen C1850709, MONDO:0009708, OMIM 255160.
Cardiomyopathy (CMYO). Also called: Cardiomyopathies. Identifiers: Orphanet 167848, MedGen C0878544, MONDO:0004994, HP:0001638. Inheritance: Various modes of inheritance.
Hypertrophic cardiomyopathy. Also called: HYPERTROPHIC MYOCARDIOPATHY. Identifiers: Orphanet 217569, MedGen C0007194, MeSH D002312, MONDO:0005045, HP:0001639.

Allele frequency attached by ClinVar (database versions not stated): gnomAD exomes 0.00001; TOPMed 0.00001.
gnomAD v4.1: 3 of 1,614,034 alleles (0.00019%); highest among the groups gnomAD compares: Admixed American, 0.005%; no homozygotes.

Submissions (6):

Labcorp Genetics (formerly Invitae), Labcorp
Classification: Uncertain significance for Hypertrophic cardiomyopathy. Last evaluated: 2025-02-04. Review status: criteria provided, single submitter. Criteria: Invitae Variant Classification Sherloc (09022015). Collection method: clinical testing. Allele origin: germline.
Comment: This sequence change replaces isoleucine, which is neutral and non-polar, with methionine, which is neutral and non-polar, at codon 323 of the MYH7 protein (p.Ile323Met). This variant is present in population databases (rs730880861, gnomAD 0.009%). This variant has not been reported in the literature in individuals affected with MYH7-related conditions. ClinVar contains an entry for this variant (Variation ID: 181332). Invitae Evidence Modeling of protein sequence and biophysical properties (such as structural, functional, and spatial information, amino acid conservation, physicochemical variation, residue mobility, and thermodynamic stability) has been performed for this missense variant. However, the output from this modeling did not meet the statistical confidence thresholds required to predict the impact of this variant on MYH7 protein function. This variant is found within a region of MYH7 between codons 181 and 937 that contains the majority of the myosin head domain. Missense variants in this region have been shown to be significantly overrepresented in individuals with hypertrophic cardiomyopathy (PMID: 27532257). In summary, the available evidence is currently insufficient to determine the role of this variant in disease. Therefore, it has been classified as a Variant of Uncertain Significance.

All of Us Research Program, National Institutes of Health
Classification: Uncertain significance for Cardiomyopathy. Last evaluated: 2024-09-23. Review status: criteria provided, single submitter. Criteria: ACMG Guidelines, 2015. Collection method: clinical testing. Allele origin: germline. Inheritance: Autosomal dominant inheritance. Observed: 6 variant alleles, 6 heterozygotes.
Comment: This missense variant replaces isoleucine with methionine at codon 323 of the MYH7 protein. Computational prediction tools indicate that this variant's impact on protein structure and function is inconclusive. To our knowledge, functional studies have not been reported for this variant. This variant has been reported in one individual affected with atrial standstill; this individual also carried two variants in the SCN5A gene (PMID: 36435694). This variant has been identified in 3/251326 chromosomes in the general population by the Genome Aggregation Database (gnomAD). The available evidence is insufficient to determine the role of this variant in disease conclusively. Therefore, this variant is classified as a Variant of Uncertain Significance.

This study involves interpretation of variants in research participants for the purpose of population health screening. Participant phenotype was not available at the time of variant classification. Additional details can be found in publication PMID: 35346344, PMCID: PMC8962531

Color Diagnostics, LLC DBA Color Health
Classification: Uncertain significance for Cardiomyopathy. Last evaluated: 2024-02-22. Review status: criteria provided, single submitter. Criteria: ACMG Guidelines, 2015. Collection method: clinical testing. Allele origin: germline.
Comment: This missense variant replaces isoleucine with methionine at codon 323 of the MYH7 protein. Computational prediction tools indicate that this variant's impact on protein structure and function is inconclusive. To our knowledge, functional studies have not been reported for this variant. This variant has been reported in one individual affected with atrial standstill; this individual also carried two variants in the SCN5A gene (PMID: 36435694). This variant has been identified in 3/251326 chromosomes in the general population by the Genome Aggregation Database (gnomAD). The available evidence is insufficient to determine the role of this variant in disease conclusively. Therefore, this variant is classified as a Variant of Uncertain Significance.

GeneDx
Classification: Uncertain significance. Last evaluated: 2022-05-03. Review status: criteria provided, single submitter. Criteria: GeneDx Variant Classification Process June 2021. Collection method: clinical testing. Allele origin: germline. Affected: yes.
Comment: Has not been previously published as pathogenic or benign to our knowledge; Not observed at a significant frequency in large population cohorts (gnomAD); In silico analysis supports that this missense variant does not alter protein structure/function; This variant is associated with the following publications: (PMID: 27535533, 27532257, 29300372)

Fulgent Genetics
Classification: Uncertain significance for MYH7-related skeletal myopathy; Myosin storage myopathy; Hypertrophic cardiomyopathy 1; Myopathy, myosin storage, autosomal recessive; Congenital myopathy 4A, autosomal dominant; Dilated cardiomyopathy 1S. Last evaluated: 2021-09-01. Review status: criteria provided, single submitter. Criteria: ACMG Guidelines, 2015. Collection method: clinical testing. Allele origin: unknown.

Stanford Center for Inherited Cardiovascular Disease, Stanford University
Classification: Uncertain significance. Last evaluated: 2012-05-30. Review status: criteria provided, single submitter. Criteria: ACMG Guidelines, 2015. Collection method: provider interpretation. Allele origin: germline.

Literature cited by the submitters: PubMed 27532257 (cited by Labcorp Genetics (formerly Invitae), Labcorp); PubMed 36435694 (cited by All of Us Research Program, National Institutes of Health and Color Diagnostics, LLC DBA Color Health).